The following is an entry in ClinVar:

ClinVar aggregate classification (germline): Uncertain significance (0 of 4 stars; one submission).

Submission:

Richard Lifton Laboratory, Yale University School of Medicine
Classification: Uncertain significance. Review status: no assertion criteria provided. Collection method: not provided. Allele origin: somatic.
Comment: WWC1
ClinVar note: Converted during submission from unknown to Uncertain significance.

NM_015238.3(WWC1):c.1906G>A (p.Ala636Thr)

Gene: WWC1 (WW and C2 domain containing 1; plus strand). Cytogenetic location: 5q34.
Variant type: single nucleotide variant.
Coding change: c.1906G>A on transcript NM_015238.3 (MANE Select); coding-DNA position 1906, G replaced by A.
Protein change: p.Ala636Thr; replaces alanine 636 with threonine.
Molecular consequence: missense variant.
Genome position (GRCh38, 1-based): chr5:168,428,128, G>A. VCF-style: chr5-168428128-G-A. GRCh37 (hg19) VCF-style: chr5-167855133-G-A.
Other names: c.1906G>A, p.Ala636Thr (NM_001161661.2, NM_001161662.2); short protein forms A636T.
Identifiers: ClinVar variation 91990 (VCV000091990.2), dbSNP rs386352379, ClinGen allele CA232306.